The following is an entry in ClinVar:

NM_001110556.2(FLNA):c.2778C>T (p.Ile926=)

Gene: FLNA (filamin A; minus strand). Cytogenetic location: Xq28.
Variant type: single nucleotide variant.
Coding change: c.2778C>T on transcript NM_001110556.2 (MANE Select); coding-DNA position 2778, C replaced by T.
Protein change: p.Ile926=; no amino-acid change (isoleucine 926 retained).
Molecular consequence: synonymous variant.
Genome position (GRCh38, 1-based): chrX:154,362,027, G>A on the plus strand (C>T on the coding strand, the complement: FLNA is on the minus strand). VCF-style: chrX-154362027-G-A. GRCh37 (hg19) VCF-style: chrX-153590395-G-A.
Other names: c.2778C>T, p.Ile926= (NM_001456.4).
Identifiers: ClinVar variation 264153 (VCV000264153.13), dbSNP rs782389613, ClinGen allele CA10560847.

ClinVar aggregate classification (germline): Likely benign. Review status: criteria provided, multiple submitters, no conflicts (2 of 4 stars). 3 submissions from 3 submitters: Likely benign (3). Last evaluated 2025-06-24.

Conditions:
Familial thoracic aortic aneurysm and aortic dissection (TAAD). Also called: Thoracic aortic aneurysms and dissections. Identifiers: Orphanet 91387, MedGen C4707243, MONDO:0019625.
Melnick-Needles syndrome (MNS). Also called: Melnick-Needles Syndrome (FLNA-MNS); MELNICK-NEEDLES OSTEODYSPLASTY; OSTEODYSPLASTY OF MELNICK AND NEEDLES. Identifiers: Orphanet 2484, MedGen C0025237, MONDO:0010650, OMIM 309350.
Frontometaphyseal dysplasia (FMD1). Identifiers: Orphanet 1826, MedGen C0265293, MONDO:0015942.
Heterotopia, periventricular, X-linked dominant (PVNH1). Also called: X-linked periventricular heterotopia; PERIVENTRICULAR NODULAR HETEROTOPIA 4; HETEROTOPIA, PERIVENTRICULAR, 1; PERIVENTRICULAR NODULAR HETEROTOPIA 1. Identifiers: Orphanet 2149, Orphanet 82004, MedGen C1848213, MONDO:0010233, OMIM 300049.
Oto-palato-digital syndrome, type II (OPD2). Also called: Otopalatodigital Syndrome Type 2 (FLNA-OPD2); FACIOPALATOOSSEOUS SYNDROME; OPD II SYNDROME; Otopalatodigital Syndrome, Type II. Identifiers: Orphanet 669, Orphanet 90652, MedGen C1844696, MONDO:0010571, OMIM 304120.

Allele frequency attached by ClinVar (database versions not stated): gnomAD exomes below 0.00001 and 0.00002; TOPMed 0.00001; ExAC 0.00003.
gnomAD v4.1: 5 of 1,210,579 alleles (0.00041%); highest among the groups gnomAD compares: South Asian, 0.0018%; no homozygotes.

Submissions (3):

Labcorp Genetics (formerly Invitae), Labcorp
Classification: Likely benign for Oto-palato-digital syndrome, type II; Heterotopia, periventricular, X-linked dominant; Frontometaphyseal dysplasia; Melnick-Needles syndrome. Last evaluated: 2025-06-24. Review status: criteria provided, single submitter. Criteria: Invitae Variant Classification Sherloc (09022015). Collection method: clinical testing. Allele origin: germline.

GeneDx
Classification: Likely benign. Last evaluated: 2016-04-06. Review status: criteria provided, single submitter. Criteria: GeneDx Variant Classification (06012015). Collection method: clinical testing. Allele origin: germline. Affected: yes.
Comment: This variant is considered likely benign or benign based on one or more of the following criteria: it is a conservative change, it occurs at a poorly conserved position in the protein, it is predicted to be benign by multiple in silico algorithms, and/or has population frequency not consistent with disease.

Ambry Genetics
Classification: Likely benign for Familial thoracic aortic aneurysm and aortic dissection. Last evaluated: 2015-07-28. Review status: criteria provided, single submitter. Criteria: Ambry Variant Classification Scheme 2023. Collection method: clinical testing. Allele origin: germline.